The following is an entry in ClinVar:

ClinVar aggregate classification (germline): Uncertain significance. Review status: criteria provided, multiple submitters, no conflicts (2 of 4 stars). 3 submissions from 3 submitters: Uncertain significance (3). Last evaluated 2025-11-26.

Conditions:
Inborn genetic diseases. Identifiers: MedGen C0950123, MeSH D030342.
TRRAP-related disorder. Also called: TRRAP-related condition.

Allele frequency attached by ClinVar (database versions not stated): gnomAD exomes below 0.00001.
gnomAD v4.1: 2 of 1,611,760 alleles (0.00012%); highest among the groups gnomAD compares: Non-Finnish European, 0.00017%; no homozygotes.

Submissions (3):

Ambry Genetics
Classification: Uncertain significance for Inborn genetic diseases. Last evaluated: 2025-11-26. Review status: criteria provided, single submitter. Criteria: Ambry Variant Classification Scheme 2023. Collection method: clinical testing. Allele origin: germline.

Labcorp Genetics (formerly Invitae), Labcorp
Classification: Uncertain significance. Last evaluated: 2025-03-15. Review status: criteria provided, single submitter. Criteria: Invitae Variant Classification Sherloc (09022015). Collection method: clinical testing. Allele origin: germline.
Comment: This sequence change replaces leucine, which is neutral and non-polar, with phenylalanine, which is neutral and non-polar, at codon 114 of the TRRAP protein (p.Leu114Phe). This variant is not present in population databases (gnomAD no frequency). This variant has not been reported in the literature in individuals affected with TRRAP-related conditions. ClinVar contains an entry for this variant (Variation ID: 2635618). Invitae Evidence Modeling of protein sequence and biophysical properties (such as structural, functional, and spatial information, amino acid conservation, physicochemical variation, residue mobility, and thermodynamic stability) indicates that this missense variant is expected to disrupt TRRAP protein function with a positive predictive value of 80%. In summary, the available evidence is currently insufficient to determine the role of this variant in disease. Therefore, it has been classified as a Variant of Uncertain Significance.

PreventionGenetics, part of Exact Sciences
Classification: Uncertain significance for TRRAP-related condition. Last evaluated: 2022-11-15. Review status: criteria provided, single submitter. Criteria: ACMG Guidelines, 2015. Collection method: clinical testing. Allele origin: germline.
Comment: The TRRAP c.342G>T variant is predicted to result in the amino acid substitution p.Leu114Phe. To our knowledge, this variant has not been reported in the literature or in a large population database, indicating this variant is rare. At this time, the clinical significance of this variant is uncertain due to the absence of conclusive functional and genetic evidence.

NM_001375524.1(TRRAP):c.342G>T (p.Leu114Phe)

Gene: TRRAP (transformation/transcription domain associated protein; plus strand). Cytogenetic location: 7q22.1.
Variant type: single nucleotide variant.
Coding change: c.342G>T on transcript NM_001375524.1 (MANE Select); coding-DNA position 342, G replaced by T.
Protein change: p.Leu114Phe; replaces leucine 114 with phenylalanine.
Molecular consequence: missense variant.
Genome position (GRCh38, 1-based): chr7:98,892,504, G>T. VCF-style: chr7-98892504-G-T. GRCh37 (hg19) VCF-style: chr7-98490127-G-T.
Other names: c.342G>T, p.Leu114Phe (NM_001244580.2, NM_003496.4); c.342G>T (NM_001244580.1); short protein forms L114F.
Identifiers: ClinVar variation 2635618 (VCV002635618.3), dbSNP rs2484656802, ClinGen allele CA368307119.
Genomic context (GRCh38, chr7:98,892,504, plus strand): 5'-TGAAATAATTCATAGAATACCAACCAACGAACATCTTCGTCCTCACACAAAAAATGTTTT[G>T]TCTGTGATGTTTCGCTTTTTAGAGGTAAGTTTTGAGAATTAATTCTTGTCGTATAGCCGT-3'
Protein context (NP_001362453.1, residues 104-124): EHLRPHTKNV[Leu114Phe]SVMFRFLETE